The following is an entry in ClinVar:

NM_006445.4(PRPF8):c.5662G>A (p.Glu1888Lys)

Gene: PRPF8 (pre-mRNA processing factor 8; minus strand). Cytogenetic location: 17p13.3.
Variant type: single nucleotide variant.
Coding change: c.5662G>A on transcript NM_006445.4 (MANE Select); coding-DNA position 5662, G replaced by A.
Protein change: p.Glu1888Lys; replaces glutamic acid 1888 with lysine.
Molecular consequence: missense variant.
Genome position (GRCh38, 1-based): chr17:1,656,523, C>T on the plus strand (G>A on the coding strand, the complement: PRPF8 is on the minus strand). VCF-style: chr17-1656523-C-T. GRCh37 (hg19) VCF-style: chr17-1559817-C-T.
Other names: short protein forms E1888K.
Identifiers: ClinVar variation 1352273 (VCV001352273.8), dbSNP rs2151113106, ClinGen allele CA397570442.

ClinVar aggregate classification (germline): Uncertain significance (1 of 4 stars; one submission).

Submission:

Labcorp Genetics (formerly Invitae), Labcorp
Classification: Uncertain significance. Last evaluated: 2025-05-12. Review status: criteria provided, single submitter. Criteria: Invitae Variant Classification Sherloc (09022015). Collection method: clinical testing. Allele origin: germline.
Comment: This sequence change replaces glutamic acid, which is acidic and polar, with lysine, which is basic and polar, at codon 1888 of the PRPF8 protein (p.Glu1888Lys). This variant is not present in population databases (gnomAD no frequency). This variant has not been reported in the literature in individuals affected with PRPF8-related conditions. ClinVar contains an entry for this variant (Variation ID: 1352273). Invitae Evidence Modeling of protein sequence and biophysical properties (such as structural, functional, and spatial information, amino acid conservation, physicochemical variation, residue mobility, and thermodynamic stability) has been performed for this missense variant. However, the output from this modeling did not meet the statistical confidence thresholds required to predict the impact of this variant on PRPF8 protein function. In summary, the available evidence is currently insufficient to determine the role of this variant in disease. Therefore, it has been classified as a Variant of Uncertain Significance.